The following is an entry in ClinVar:

ClinVar aggregate classification (germline): Uncertain significance (1 of 4 stars; one submission).

Submission:

Labcorp Genetics (formerly Invitae), Labcorp
Classification: Uncertain significance. Last evaluated: 2024-06-25. Review status: criteria provided, single submitter. Criteria: Invitae Variant Classification Sherloc (09022015). Collection method: clinical testing. Allele origin: germline.
Comment: This sequence change replaces isoleucine, which is neutral and non-polar, with serine, which is neutral and polar, at codon 232 of the KIZ protein (p.Ile232Ser). This variant is not present in population databases (gnomAD no frequency). This variant has not been reported in the literature in individuals affected with KIZ-related conditions. Experimental studies and prediction algorithms are not available or were not evaluated, and the functional significance of this variant is currently unknown. In summary, the available evidence is currently insufficient to determine the role of this variant in disease. Therefore, it has been classified as a Variant of Uncertain Significance.

NM_018474.6(KIZ):c.695T>G (p.Ile232Ser)

Gene: KIZ (kizuna centrosomal protein; plus strand). Cytogenetic location: 20p11.23.
Variant type: single nucleotide variant.
Coding change: c.695T>G on transcript NM_018474.6 (MANE Select); coding-DNA position 695, T replaced by G.
Protein change: p.Ile232Ser; replaces isoleucine 232 with serine.
Molecular consequence: missense variant.
Genome position (GRCh38, 1-based): chr20:21,162,160, T>G. VCF-style: chr20-21162160-T-G. GRCh37 (hg19) VCF-style: chr20-21142801-T-G.
Other names: c.386T>G, p.Ile129Ser (NM_001163022.3, NM_001352435.2); c.296T>G, p.Ile99Ser (NM_001163023.3); c.548T>G, p.Ile183Ser (NM_001276389.2); c.695T>G, p.Ile232Ser (NM_001352434.2); c.353T>G, p.Ile118Ser (NM_001352436.2); short protein forms I129S, I183S, I232S, I118S, I99S.
Identifiers: ClinVar variation 3639764 (VCV003639764.2).